The following is an entry in ClinVar:

ClinVar aggregate classification (germline): Likely pathogenic. Review status: criteria provided, multiple submitters, no conflicts (2 of 4 stars). 2 submissions from 2 submitters: Likely pathogenic (2). Last evaluated 2025-01-30.

Conditions:
Bohring-Opitz syndrome. Also called: C-LIKE SYNDROME; BOHRING SYNDROME; OPITZ TRIGONOCEPHALY-LIKE SYNDROME; ASXL1-Related Bohring-Opitz Syndrome. Identifiers: Orphanet 97297, MedGen C0796232, MONDO:0011510, OMIM 605039.

Submissions (2):

Medgenome Labs Ltd
Classification: Likely pathogenic for Bohring-Opitz syndrome. Last evaluated: 2025-01-30. Review status: criteria provided, single submitter. Criteria: ACMG Guidelines, 2015. Collection method: clinical testing. Allele origin: germline. Affected: yes.

GeneDx
Classification: Likely pathogenic. Last evaluated: 2019-04-25. Review status: criteria provided, single submitter. Criteria: GeneDx Variant Classification Process June 2021. Collection method: clinical testing. Allele origin: germline. Affected: yes.
Comment: Nonsense variant in the C-terminus predicted to result in protein truncation, as the last 875 amino acids are lost, and other loss-of-function variants have been reported downstream in the Human Gene Mutation Database (Stenson et al., 2014); Not observed in large population cohorts (Lek et al., 2016); Has not been previously published as pathogenic or benign to our knowledge

NM_015338.6(ASXL1):c.1997dup (p.Gly666_Asp667insTer)

Gene: ASXL1 (ASXL transcriptional regulator 1; plus strand). Cytogenetic location: 20q11.21.
Variant type: Duplication.
Coding change: c.1997dup on transcript NM_015338.6 (MANE Select); coding-DNA position 1997, one base duplicated (G; older notation c.1997dupG).
Protein change: p.Gly666_Asp667insTer.
Molecular consequence: frameshift variant.
Genome position (GRCh38, 1-based): chr20:32,434,709, G duplicated; the last of 2 consecutive G bases (chr20:32,434,708-32,434,709); duplicating either gives the same sequence. VCF-style (leftmost placement, unchanged base first): chr20-32434707-T-TG. GRCh37 (hg19) VCF-style: chr20-31022510-T-TG.
Other names: c.1814dup, p.Gly605_Asp606insTer (NM_001363734.1).
Identifiers: ClinVar variation 1195003 (VCV001195003.3), dbSNP rs2145360404, ClinGen allele CA2499225722.